The following is an entry in ClinVar:

NM_014806.5(RUSC2):c.4449C>G (p.Asp1483Glu)

Gene: RUSC2 (RUN and SH3 domain containing 2; plus strand). Cytogenetic location: 9p13.3.
Variant type: single nucleotide variant.
Coding change: c.4449C>G on transcript NM_014806.5 (MANE Select); coding-DNA position 4449, C replaced by G.
Protein change: p.Asp1483Glu; replaces aspartic acid 1483 with glutamic acid.
Molecular consequence: missense variant. On other transcripts: non-coding transcript variant (1).
Genome position (GRCh38, 1-based): chr9:35,561,280, C>G. VCF-style: chr9-35561280-C-G. GRCh37 (hg19) VCF-style: chr9-35561277-C-G.
Other names: c.4449C>G (NM_001135999.1); c.4449C>G, p.Asp1483Glu (NM_001135999.2); c.1815C>G, p.Asp605Glu (NM_001330740.2); short protein forms D1483E, D605E.
Identifiers: ClinVar variation 1432861 (VCV001432861.7), dbSNP rs372603201, ClinGen allele CA5044406.

ClinVar aggregate classification (germline): Uncertain significance. Review status: criteria provided, multiple submitters, no conflicts (2 of 4 stars). 2 submissions from 2 submitters: Uncertain significance (2). Last evaluated 2026-01-21.

Allele frequency attached by ClinVar (database versions not stated): gnomAD exomes 0.00004; ExAC 0.00007; gnomAD 0.00013 and 0.00016; TOPMed 0.00014; ESP Exome Variant Server 0.00023.
gnomAD v4.1: 29 of 1,613,990 alleles (0.0018%); highest among the groups gnomAD compares: African/African-American, 0.037%; no homozygotes.

Submissions (2):

Labcorp Genetics (formerly Invitae), Labcorp
Classification: Uncertain significance. Last evaluated: 2026-01-21. Review status: criteria provided, single submitter. Criteria: Invitae Variant Classification Sherloc (09022015). Collection method: clinical testing. Allele origin: germline.
Comment: This sequence change replaces aspartic acid, which is acidic and polar, with glutamic acid, which is acidic and polar, at codon 1483 of the RUSC2 protein (p.Asp1483Glu). This variant is present in population databases (rs372603201, gnomAD 0.06%). This variant has not been reported in the literature in individuals affected with RUSC2-related conditions. ClinVar contains an entry for this variant (Variation ID: 1432861). An algorithm developed to predict the effect of missense changes on protein structure and function (PolyPhen-2) suggests that this variant is likely to be disruptive. In summary, the available evidence is currently insufficient to determine the role of this variant in disease. Therefore, it has been classified as a Variant of Uncertain Significance.

Ambry Genetics
Classification: Uncertain significance. Last evaluated: 2025-10-18. Review status: criteria provided, single submitter. Criteria: Ambry Variant Classification Scheme 2023. Collection method: clinical testing. Allele origin: germline.